The following is an entry in ClinVar:

NM_004385.5(VCAN):c.7039G>A (p.Ala2347Thr)

Genes: VCAN (versican; plus strand), VCAN-AS1 (VCAN antisense RNA 1; minus strand). Cytogenetic location: 5q14.3.
Variant type: single nucleotide variant.
Coding change: c.7039G>A on transcript NM_004385.5 (MANE Select); coding-DNA position 7039, G replaced by A.
Protein change: p.Ala2347Thr; replaces alanine 2347 with threonine.
Molecular consequence: missense variant. On other transcripts: intron variant (2).
Genome position (GRCh38, 1-based): chr5:83,540,042, G>A. VCF-style: chr5-83540042-G-A. GRCh37 (hg19) VCF-style: chr5-82835861-G-A.
Other names: c.4078G>A, p.Ala1360Thr (NM_001164097.2); c.4004-5495G>A (NM_001164098.2); c.1043-5495G>A (NM_001126336.3); short protein forms A1360T, A2347T.
Identifiers: ClinVar variation 2730712 (VCV002730712.3), dbSNP rs763272738, ClinGen allele CA3333565.

ClinVar aggregate classification (germline): Uncertain significance (1 of 4 stars; one submission).

Allele frequency attached by ClinVar (database versions not stated): gnomAD exomes below 0.00001; ExAC 0.00001.
gnomAD v4.1: 3 of 1,614,014 alleles (0.00019%); highest among the groups gnomAD compares: South Asian, 0.0033%; no homozygotes.

Submission:

Labcorp Genetics (formerly Invitae), Labcorp
Classification: Uncertain significance. Last evaluated: 2023-06-17. Review status: criteria provided, single submitter. Criteria: Invitae Variant Classification Sherloc (09022015). Collection method: clinical testing. Allele origin: germline.
Comment: This sequence change replaces alanine, which is neutral and non-polar, with threonine, which is neutral and polar, at codon 2347 of the VCAN protein (p.Ala2347Thr). This variant is present in population databases (rs763272738, gnomAD 0.007%). This variant has not been reported in the literature in individuals affected with VCAN-related conditions. Algorithms developed to predict the effect of missense changes on protein structure and function output the following: SIFT: "Not Available"; PolyPhen-2: "Benign"; Align-GVGD: "Not Available". The threonine amino acid residue is found in multiple mammalian species, which suggests that this missense change does not adversely affect protein function. In summary, the available evidence is currently insufficient to determine the role of this variant in disease. Therefore, it has been classified as a Variant of Uncertain Significance.